The following is an entry in ClinVar:

NM_013254.4(TBK1):c.1387_1388del (p.Glu463fs)

Gene: TBK1 (TANK binding kinase 1; plus strand). Cytogenetic location: 12q14.2.
Variant type: Deletion.
Coding change: c.1387_1388del on transcript NM_013254.4 (MANE Select); coding-DNA positions 1387 to 1388, 2 bases deleted (GA; older notation c.1387_1388delGA).
Protein change: p.Glu463fs; shifts the reading frame from glutamic acid 463.
Molecular consequence: frameshift variant.
Genome position (GRCh38, 1-based): chr12:64,488,533-64,488,534, GA deleted; deleting any 2 consecutive bases within chr12:64,488,532-64,488,534 gives the same sequence; the c. name uses the placement nearest the transcript's 3' end. VCF-style (leftmost placement, unchanged base first): chr12-64488531-CAG-C. GRCh37 (hg19) VCF-style: chr12-64882311-CAG-C.
Other names: c.1387_1388del, p.Glu463fs (LRG_1306t1); short protein forms E463fs.
Identifiers: ClinVar variation 542552 (VCV000542552.15), dbSNP rs1555204731, ClinGen allele CA605378688.

ClinVar aggregate classification (germline): Pathogenic/Likely pathogenic. Review status: criteria provided, multiple submitters, no conflicts (2 of 4 stars). 2 submissions from 2 submitters: Pathogenic (1); Likely pathogenic (1). Last evaluated 2026-02-09.

Conditions:
Encephalopathy, acute, infection-induced (herpes-specific), susceptibility to, 1. Also called: Herpes simplex encephalitis, susceptibility to, 1. Identifiers: Orphanet 1930, MedGen C2750180, MONDO:0024563, OMIM 610551.
Primary open angle glaucoma (POAG). Also called: OPTN-related open angle glaucoma. Identifiers: MedGen C0339573, MONDO:0100553, OMIM 137760.
Frontotemporal dementia and/or amyotrophic lateral sclerosis 4. Also called: FTDALS4. Identifiers: Orphanet 275872, MedGen C4225325, MONDO:0014641, OMIM 616439.
Encephalopathy, acute, infection-induced (herpes-specific), susceptibility to, 8. Also called: HERPES SIMPLEX ENCEPHALITIS, SUSCEPTIBILITY TO, 6. Identifiers: MedGen C4693542, MONDO:0054754, OMIM 617900.
TBK1-related disorder. Also called: TBK1-related condition.

Submissions (2):

PreventionGenetics, part of Exact Sciences
Classification: Likely pathogenic for TBK1-related condition. Last evaluated: 2026-02-09. Review status: criteria provided, single submitter. Criteria: ACMG Guidelines, 2015. Collection method: clinical testing. Allele origin: germline.
Comment: The TBK1 c.1387_1388delGA variant is predicted to result in a frameshift and premature protein termination (p.Glu463Serfs*13). This variant has been reported in the literature in an individual with amyotrophic lateral sclerosis (ALS, Swift et al. 2021. PubMed ID32980182). This variant is reported in 0.00091% of alleles in individuals of European (non-Finnish) descent in gnomAD. Frameshift variants in TBK1 are expected to be pathogenic. This variant is interpreted as likely pathogenic.

Labcorp Genetics (formerly Invitae), Labcorp
Classification: Pathogenic for Frontotemporal dementia and/or amyotrophic lateral sclerosis 4. Last evaluated: 2023-09-14. Review status: criteria provided, single submitter. Criteria: Invitae Variant Classification Sherloc (09022015). Collection method: clinical testing. Allele origin: germline.
Comment: This sequence change creates a premature translational stop signal (p.Glu463Serfs*13) in the TBK1 gene. It is expected to result in an absent or disrupted protein product. Loss-of-function variants in TBK1 are known to be pathogenic (PMID: 25803835, 26476236, 26581300). For these reasons, this variant has been classified as Pathogenic. ClinVar contains an entry for this variant (Variation ID: 542552). This premature translational stop signal has been observed in individual(s) with amyotrophic lateral sclerosis (PMID: 25700176). This variant is present in population databases (no rsID available, gnomAD 0.0009%).

Literature cited by the submitters: PubMed 25803835 (cited by Labcorp Genetics (formerly Invitae), Labcorp); PubMed 26476236 (cited by Labcorp Genetics (formerly Invitae), Labcorp); PubMed 26581300 (cited by Labcorp Genetics (formerly Invitae), Labcorp); PubMed 25700176 (cited by Labcorp Genetics (formerly Invitae), Labcorp).